The following is an entry in ClinVar:

NM_001846.4(COL4A2):c.298G>A (p.Gly100Arg)

Gene: COL4A2 (collagen type IV alpha 2 chain; plus strand). Cytogenetic location: 13q34.
Variant type: single nucleotide variant.
Coding change: c.298G>A on transcript NM_001846.4 (MANE Select); coding-DNA position 298, G replaced by A.
Protein change: p.Gly100Arg; replaces glycine 100 with arginine.
Molecular consequence: missense variant.
Genome position (GRCh38, 1-based): chr13:110,424,851, G>A. VCF-style: chr13-110424851-G-A. GRCh37 (hg19) VCF-style: chr13-111077198-G-A.
Other names: short protein forms G100R.
Identifiers: ClinVar variation 1318521 (VCV001318521.2), dbSNP rs1251400296, ClinGen allele CA388728105.
Genomic context (GRCh38, chr13:110,424,851, plus strand): 5'-TTCCCGGGACTGCAGGGACGTAAAGGAGACAAGGGTGAAAGGGGAGCCCCCGGAGTAACG[G>A]GACCCAAGGGCGACGTGGTACGCACCGCTGGTGTATTCCCCTGGCCTCATGAGGGTGGCG-3'
Protein context (NP_001837.2, residues 90-110): KGERGAPGVT[Gly100Arg]PKGDVGARGV

ClinVar aggregate classification (germline): Uncertain significance (1 of 4 stars; one submission).

Submission:

GeneDx
Classification: Uncertain significance. Last evaluated: 2020-01-18. Review status: criteria provided, single submitter. Criteria: GeneDx Variant Classification Process June 2021. Collection method: clinical testing. Allele origin: germline. Affected: yes.
Comment: Not observed in large population cohorts (Lek et al., 2016); In silico analysis, which includes protein predictors and evolutionary conservation, supports a deleterious effect; Has not been previously published as pathogenic or benign to our knowledge